The following is an entry in ClinVar:

ClinVar aggregate classification (germline): Uncertain significance. Review status: criteria provided, single submitter (1 of 4 stars). 2 submissions from 2 submitters: Uncertain significance (1). 1 of the submissions does not count toward it. Last evaluated 2024-02-24.

Conditions:
IFT74-related disorder. Also called: IFT74-related condition; IFT74-Related Disorders.

Allele frequency attached by ClinVar (database versions not stated): ExAC 0.00001; gnomAD exomes 0.00001 and 0.00002.
gnomAD v4.1: 8 of 1,594,012 alleles (0.0005%); highest among the groups gnomAD compares: Non-Finnish European, 0.0006%; no homozygotes.

Submissions (2):

Labcorp Genetics (formerly Invitae), Labcorp
Classification: Uncertain significance. Last evaluated: 2024-02-24. Review status: criteria provided, single submitter. Criteria: Invitae Variant Classification Sherloc (09022015). Collection method: clinical testing. Allele origin: germline.
Comment: This sequence change replaces glutamine, which is neutral and polar, with arginine, which is basic and polar, at codon 467 of the IFT74 protein (p.Gln467Arg). This variant is present in population databases (rs746563082, gnomAD 0.002%). This variant has not been reported in the literature in individuals affected with IFT74-related conditions. ClinVar contains an entry for this variant (Variation ID: 1410547). An algorithm developed to predict the effect of missense changes on protein structure and function (PolyPhen-2) suggests that this variant¬†is likely to be tolerated. In summary, the available evidence is currently insufficient to determine the role of this variant in disease. Therefore, it has been classified as a Variant of Uncertain Significance.

PreventionGenetics, part of Exact Sciences
Classification: Uncertain significance for IFT74-related condition. Last evaluated: 2024-08-29. Review status: no assertion criteria provided. Collection method: clinical testing. Allele origin: germline. Not counted in ClinVar's aggregate classification.
Comment: The IFT74 c.1400A>G variant is predicted to result in the amino acid substitution p.Gln467Arg. To our knowledge, this variant has not been reported in the literature. This variant is reported in 0.0037% of alleles in individuals of European (Non-Finnish) descent in gnomAD. At this time, the clinical significance of this variant is uncertain due to the absence of conclusive functional and genetic evidence.

NM_025103.4(IFT74):c.1400A>G (p.Gln467Arg)

Gene: IFT74 (intraflagellar transport 74; plus strand). Cytogenetic location: 9p21.2.
Variant type: single nucleotide variant.
Coding change: c.1400A>G on transcript NM_025103.4 (MANE Select); coding-DNA position 1400, A replaced by G.
Protein change: p.Gln467Arg; replaces glutamine 467 with arginine.
Molecular consequence: missense variant.
Genome position (GRCh38, 1-based): chr9:27,055,675, A>G. VCF-style: chr9-27055675-A-G. GRCh37 (hg19) VCF-style: chr9-27055673-A-G.
Other names: c.1400A>G, p.Gln467Arg (NM_001099222.3, NM_001099223.3, NM_001349928.2); c.1400A>G (NM_025103.2); short protein forms Q467R.
Identifiers: ClinVar variation 1410547 (VCV001410547.6), dbSNP rs746563082, ClinGen allele CA5015662.
Genomic context (GRCh38, chr9:27,055,675, plus strand): 5'-AACGTCTGCAGTTGGATCTGCAGAAAATGGAGCTTCTAGAAAGTAAGATGACTGAAGAAC[A>G]GCATTCTCTAAAAAGCAAAATTAAGCAAATGACAACTGATCTGGAGATATATAATGATTT-3'
Protein context (NP_079379.2, residues 457-477): ELLESKMTEE[Gln467Arg]HSLKSKIKQM